The following is an entry in ClinVar:

ClinVar aggregate classification (germline): Likely benign. Review status: criteria provided, multiple submitters, no conflicts (2 of 4 stars). 2 submissions from 2 submitters: Likely benign (2). Last evaluated 2024-07-02.

Conditions:
Malignant hyperthermia, susceptibility to, 5 (MHS5). Also called: CACNA1S-Related Malignant Hyperthermia Susceptibility. Identifiers: Orphanet 423, MedGen C1866077, MONDO:0011163, OMIM 601887.
Hypokalemic periodic paralysis, type 1. Also called: HypoPP; Hypokalemic Periodic Paralysis Type 1 (AD). Identifiers: Orphanet 681, MedGen C3714580, MONDO:0042979, OMIM 170400.

gnomAD v4.1: 53 of 1,613,948 alleles (0.0033%); highest among the groups gnomAD compares: Non-Finnish European, 0.0044%; no homozygotes.

Submissions (2):

Labcorp Genetics (formerly Invitae), Labcorp
Classification: Likely benign for Hypokalemic periodic paralysis, type 1; Malignant hyperthermia, susceptibility to, 5. Last evaluated: 2024-07-02. Review status: criteria provided, single submitter. Criteria: Invitae Variant Classification Sherloc (09022015). Collection method: clinical testing. Allele origin: germline.

All of Us Research Program, National Institutes of Health
Classification: Likely benign for Malignant hyperthermia, susceptibility to, 5. Last evaluated: 2023-10-06. Review status: criteria provided, single submitter. Criteria: ACMG Guidelines, 2015. Collection method: clinical testing. Allele origin: germline. Inheritance: Autosomal dominant inheritance. Observed: 1 variant allele, 1 heterozygote.
Comment: This study involves interpretation of variants in research participants for the purpose of population health screening. Participant phenotype was not available at the time of variant classification. Additional details can be found in publication PMID: 35346344, PMCID: PMC8962531

NM_000069.3(CACNA1S):c.5104C>A (p.Arg1702=)

Gene: CACNA1S (calcium voltage-gated channel subunit alpha1 S; minus strand). Cytogenetic location: 1q32.1.
Variant type: single nucleotide variant.
Coding change: c.5104C>A on transcript NM_000069.3 (MANE Select); coding-DNA position 5104, C replaced by A.
Protein change: p.Arg1702=; no amino-acid change (arginine 1702 retained).
Molecular consequence: synonymous variant.
Genome position (GRCh38, 1-based): chr1:201,041,534, G>T on the plus strand (C>A on the coding strand, the complement: CACNA1S is on the minus strand). VCF-style: chr1-201041534-G-T. GRCh37 (hg19) VCF-style: chr1-201010662-G-T.
Identifiers: ClinVar variation 3073758 (VCV003073758.3), dbSNP rs550371466, ClinGen allele CA35990920.